The following is an entry in ClinVar:

ClinVar aggregate classification (germline): Uncertain significance (1 of 4 stars; one submission).

Conditions:
Familial acute necrotizing encephalopathy (IIAE3). Also called: ENCEPHALOPATHY, ACUTE, INFECTION-INDUCED, SUSCEPTIBILITY TO, 3; Susceptibility to Acute Necrotizing Encephalopathy 1. Identifiers: Orphanet 88619, MedGen C2675556, MONDO:0011953, OMIM 608033.

Submission:

Labcorp Genetics (formerly Invitae), Labcorp
Classification: Uncertain significance for Familial acute necrotizing encephalopathy. Last evaluated: 2022-03-19. Review status: criteria provided, single submitter. Criteria: Invitae Variant Classification Sherloc (09022015). Collection method: clinical testing. Allele origin: germline.
Comment: In summary, the available evidence is currently insufficient to determine the role of this variant in disease. Therefore, it has been classified as a Variant of Uncertain Significance. Experimental studies and prediction algorithms are not available or were not evaluated, and the functional significance of this variant is currently unknown. This variant has not been reported in the literature in individuals affected with RANBP2-related conditions. This variant is a gross deletion of the genomic region encompassing exon(s) 8-12 of the RANBP2 gene. This variant would be expected to be in-frame, preserving the integrity of the reading frame.

NC_000002.11:g.(?_109363147)_(109368470_?)del

Gene: RANBP2 (RAN binding protein 2; plus strand). Cytogenetic location: 2q12.3.
Variant type: Deletion.
Identifiers: ClinVar variation 1450709 (VCV001450709.8).